The following is an entry in ClinVar:

NM_002335.4(LRP5):c.4613C>G (p.Pro1538Arg)

Gene: LRP5 (LDL receptor related protein 5; plus strand). Cytogenetic location: 11q13.2.
Variant type: single nucleotide variant.
Coding change: c.4613C>G on transcript NM_002335.4 (MANE Select); coding-DNA position 4613, C replaced by G.
Protein change: p.Pro1538Arg; replaces proline 1538 with arginine.
Molecular consequence: missense variant.
Genome position (GRCh38, 1-based): chr11:68,448,835, C>G. VCF-style: chr11-68448835-C-G. GRCh37 (hg19) VCF-style: chr11-68216303-C-G.
Other names: c.2870C>G, p.Pro957Arg (NM_001291902.2); short protein forms P1538R, P957R.
Identifiers: ClinVar variation 1464189 (VCV001464189.8), dbSNP rs377147274, ClinGen allele CA6150465.
Genomic context (GRCh38, chr11:68,448,835, plus strand): 5'-CCGAATCCCACTCCTCTGTGTGTGTCCCTTTCAGGCCCTACATCATTCGAGGAATGGCGC[C>G]CCCGACGACGCCCTGCAGCACCGACGTGTGTGACAGCGACTACAGCGCCAGCCGCTGGAA-3'
Protein context (NP_002326.2, residues 1528-1548): YRPYIIRGMA[Pro1538Arg]PTTPCSTDVC

ClinVar aggregate classification (germline): Uncertain significance (1 of 4 stars; one submission).

Allele frequency attached by ClinVar (database versions not stated): gnomAD 0.00001; gnomAD exomes 0.00001; ExAC 0.00002; ESP Exome Variant Server 0.00008.

Submission:

Labcorp Genetics (formerly Invitae), Labcorp
Classification: Uncertain significance. Last evaluated: 2025-12-15. Review status: criteria provided, single submitter. Criteria: Invitae Variant Classification Sherloc (09022015). Collection method: clinical testing. Allele origin: germline.
Comment: This sequence change replaces proline, which is neutral and non-polar, with arginine, which is basic and polar, at codon 1538 of the LRP5 protein (p.Pro1538Arg). This variant is present in population databases (rs377147274, gnomAD 0.002%). This variant has not been reported in the literature in individuals affected with LRP5-related conditions. ClinVar contains an entry for this variant (Variation ID: 1464189). Invitae Evidence Modeling of protein sequence and biophysical properties (such as structural, functional, and spatial information, amino acid conservation, physicochemical variation, residue mobility, and thermodynamic stability) indicates that this missense variant is not expected to disrupt LRP5 protein function with a negative predictive value of 95%. In summary, the available evidence is currently insufficient to determine the role of this variant in disease. Therefore, it has been classified as a Variant of Uncertain Significance.